The following is an entry in ClinVar:

NM_003718.5(CDK13):c.3910C>A (p.Gln1304Lys)

Gene: CDK13 (cyclin dependent kinase 13; plus strand). Cytogenetic location: 7p14.1.
Variant type: single nucleotide variant.
Coding change: c.3910C>A on transcript NM_003718.5 (MANE Select); coding-DNA position 3910, C replaced by A.
Protein change: p.Gln1304Lys; replaces glutamine 1304 with lysine.
Molecular consequence: missense variant.
Genome position (GRCh38, 1-based): chr7:40,094,351, C>A. VCF-style: chr7-40094351-C-A. GRCh37 (hg19) VCF-style: chr7-40133950-C-A.
Other names: c.3730C>A, p.Gln1244Lys (NM_031267.4); short protein forms Q1244K, Q1304K.
Identifiers: ClinVar variation 2876562 (VCV002876562.3), dbSNP rs1272383007, ClinGen allele CA367296036.

ClinVar aggregate classification (germline): Uncertain significance (1 of 4 stars; one submission).

Allele frequency attached by ClinVar (database versions not stated): gnomAD exomes below 0.00001; gnomAD 0.00003; TOPMed 0.00004.
gnomAD v4.1: 7 of 1,613,822 alleles (0.00043%); highest among the groups gnomAD compares: African/African-American, 0.0067%; no homozygotes.

Submission:

Labcorp Genetics (formerly Invitae), Labcorp
Classification: Uncertain significance. Last evaluated: 2025-07-02. Review status: criteria provided, single submitter. Criteria: Invitae Variant Classification Sherloc (09022015). Collection method: clinical testing. Allele origin: germline.
Comment: This sequence change replaces glutamine, which is neutral and polar, with lysine, which is basic and polar, at codon 1304 of the CDK13 protein (p.Gln1304Lys). This variant is present in population databases (no rsID available, gnomAD 0.004%). This variant has not been reported in the literature in individuals affected with CDK13-related conditions. ClinVar contains an entry for this variant (Variation ID: 2876562). Invitae Evidence Modeling of protein sequence and biophysical properties (such as structural, functional, and spatial information, amino acid conservation, physicochemical variation, residue mobility, and thermodynamic stability) has been performed for this missense variant. However, the output from this modeling did not meet the statistical confidence thresholds required to predict the impact of this variant on CDK13 protein function. In summary, the available evidence is currently insufficient to determine the role of this variant in disease. Therefore, it has been classified as a Variant of Uncertain Significance.